The following is an entry in ClinVar:

NM_024537.4(CARS2):c.179G>A (p.Gly60Glu)

Gene: CARS2 (cysteinyl-tRNA synthetase 2, mitochondrial; minus strand). Cytogenetic location: 13q34.
Variant type: single nucleotide variant.
Coding change: c.179G>A on transcript NM_024537.4 (MANE Select); coding-DNA position 179, G replaced by A.
Protein change: p.Gly60Glu; replaces glycine 60 with glutamic acid.
Molecular consequence: missense variant. On other transcripts: non-coding transcript variant (1), intron variant (1).
Genome position (GRCh38, 1-based): chr13:110,705,915, C>T on the plus strand (G>A on the coding strand, the complement: CARS2 is on the minus strand). VCF-style: chr13-110705915-C-T. GRCh37 (hg19) VCF-style: chr13-111358262-C-T.
Other names: c.179G>A, p.Gly60Glu (NM_001352253.3); c.-775-344G>A (NM_001352252.2); short protein forms G60E.
Identifiers: ClinVar variation 1014420 (VCV001014420.8), dbSNP rs868325979, ClinGen allele CA256331026.

ClinVar aggregate classification (germline): Uncertain significance (1 of 4 stars; one submission).

Conditions:
Combined oxidative phosphorylation defect type 27. Also called: Combined oxidative phosphorylation deficiency 27. Identifiers: Orphanet 477774, MedGen C5567608, MONDO:0014728, OMIM 616672.

Submission:

Labcorp Genetics (formerly Invitae), Labcorp
Classification: Uncertain significance for Combined oxidative phosphorylation defect type 27. Last evaluated: 2020-09-25. Review status: criteria provided, single submitter. Criteria: Invitae Variant Classification Sherloc (09022015). Collection method: clinical testing. Allele origin: germline.
Comment: In summary, the available evidence is currently insufficient to determine the role of this variant in disease. Therefore, it has been classified as a Variant of Uncertain Significance. Algorithms developed to predict the effect of missense changes on protein structure and function (SIFT, PolyPhen-2, Align-GVGD) all suggest that this variant is likely to be tolerated, but these predictions have not been confirmed by published functional studies and their clinical significance is uncertain. This variant has not been reported in the literature in individuals with CARS2-related conditions. This variant is not present in population databases (ExAC no frequency). This sequence change replaces glycine with glutamic acid at codon 60 of the CARS2 protein (p.Gly60Glu). The glycine residue is weakly conserved and there is a moderate physicochemical difference between glycine and glutamic acid.